The following is an entry in ClinVar:

ClinVar aggregate classification (germline): Uncertain significance (1 of 4 stars; one submission).

Conditions:
Congenital myasthenic syndrome 4A. Also called: Myasthenic syndrome, congenital, 4a, slow-channel; MYASTHENIC SYNDROME, CONGENITAL, 4A, SLOW-CHANNEL, AUTOSOMAL RECESSIVE; CONGENITAL MYASTHENIC SYNDROME TYPE Ia1. Identifiers: Orphanet 590, MedGen C4225413, MONDO:0011600, OMIM 605809.

Allele frequency attached by ClinVar (database versions not stated): TOPMed 0.00001; ExAC 0.00002.
gnomAD v4.1: 23 of 1,585,712 alleles (0.0015%); highest among the groups gnomAD compares: Middle Eastern, 0.066%; no homozygotes.

Submission:

Labcorp Genetics (formerly Invitae), Labcorp
Classification: Uncertain significance for Congenital myasthenic syndrome 4A. Last evaluated: 2024-11-11. Review status: criteria provided, single submitter. Criteria: Invitae Variant Classification Sherloc (09022015). Collection method: clinical testing. Allele origin: germline.
Comment: This sequence change replaces methionine, which is neutral and non-polar, with isoleucine, which is neutral and non-polar, at codon 450 of the CHRNE protein (p.Met450Ile). This variant is present in population databases (rs761651772, gnomAD 0.004%). This variant has not been reported in the literature in individuals affected with CHRNE-related conditions. ClinVar contains an entry for this variant (Variation ID: 2155713). Invitae Evidence Modeling of protein sequence and biophysical properties (such as structural, functional, and spatial information, amino acid conservation, physicochemical variation, residue mobility, and thermodynamic stability) indicates that this missense variant is not expected to disrupt CHRNE protein function with a negative predictive value of 95%. In summary, the available evidence is currently insufficient to determine the role of this variant in disease. Therefore, it has been classified as a Variant of Uncertain Significance.

NM_000080.4(CHRNE):c.1350G>A (p.Met450Ile)

Gene: CHRNE (cholinergic receptor nicotinic epsilon subunit; minus strand). Cytogenetic location: 17p13.2.
Variant type: single nucleotide variant.
Coding change: c.1350G>A on transcript NM_000080.4 (MANE Select); coding-DNA position 1350, G replaced by A.
Protein change: p.Met450Ile; replaces methionine 450 with isoleucine.
Molecular consequence: missense variant.
Genome position (GRCh38, 1-based): chr17:4,898,868, C>T on the plus strand (G>A on the coding strand, the complement: CHRNE is on the minus strand). VCF-style: chr17-4898868-C-T. GRCh37 (hg19) VCF-style: chr17-4802163-C-T.
Other names: short protein forms M450I.
Identifiers: ClinVar variation 2155713 (VCV002155713.2), dbSNP rs761651772, ClinGen allele CA8313843.
Genomic context (GRCh38, chr17:4,898,868, plus strand): 5'-GGAGCCCACGCTGAAGAGCACCAGAGCGGCCCAGAAGCAGATGTTGTCAAGGGCATTCCC[C>T]ATGCGCACCCAGTCGGACACTTCCTGGGGAAGGGTCGGCACAGTCAGTAAAGAGGCAGCT-3'
Protein context (NP_000071.1, residues 440-460): TGEEVSDWVR[Met450Ile]GNALDNICFW